The following is an entry in ClinVar:

ClinVar aggregate classification (germline): Likely pathogenic (1 of 4 stars; one submission).

Conditions:
COACH syndrome 1. Identifiers: Orphanet 1454, MedGen C5435651, MONDO:0800103, OMIM 216360, MONDO:0008996.
Joubert syndrome 6 (JBTS6). Identifiers: Orphanet 475, MedGen C1853153, MONDO:0012539, OMIM 610688.
Meckel syndrome, type 3 (MKS3). Also called: MECKEL-GRUBER SYNDROME, TYPE 3. Identifiers: Orphanet 564, MedGen C1846357, MONDO:0011821, OMIM 607361.
Nephronophthisis 11 (NPHP11). Identifiers: Orphanet 84081, MedGen C3150796, MONDO:0013302, OMIM 613550.
RHYNS syndrome. Also called: RETINITIS PIGMENTOSA SYNDROME; RETINITIS PIGMENTOSA, HYPOPITUITARISM, NEPHRONOPHTHISIS, AND MILD SKELETAL DYSPLASIA. Identifiers: Orphanet 140976, MedGen C1865794, MONDO:0011202, OMIM 602152.

Submission:

First Genomix Gene Laboratory, Genetic Diagnostics Department
Classification: Likely pathogenic for RHYNS syndrome; COACH syndrome 1; Joubert syndrome 6; Meckel syndrome, type 3; Nephronophthisis 11. Last evaluated: 2025-04-11. Review status: criteria provided, single submitter. Criteria: ACMG Guidelines, 2015. Collection method: clinical testing. Allele origin: germline. Inheritance: Autosomal recessive inheritance. Affected: no. Observed: 1 variant allele.

NM_153704.6(TMEM67):c.657_661del (p.Met219fs)

Gene: TMEM67 (transmembrane protein 67; plus strand). Cytogenetic location: 8q22.1.
Variant type: Deletion.
Coding change: c.657_661del on transcript NM_153704.6 (MANE Select); coding-DNA positions 657 to 661, 5 bases deleted (GTCTT; older notation c.657_661delGTCTT).
Protein change: p.Met219fs; shifts the reading frame from methionine 219.
Molecular consequence: frameshift variant. On other transcripts: non-coding transcript variant (1).
Genome position (GRCh38, 1-based): chr8:93,772,594-93,772,598, GTCTT deleted; deleting any 5 consecutive bases within chr8:93,772,593-93,772,598 gives the same sequence; the c. name uses the placement nearest the transcript's 3' end. VCF-style (leftmost placement, unchanged base first): chr8-93772592-ATGTCT-A. GRCh37 (hg19) VCF-style: chr8-94784820-ATGTCT-A.
Other names: c.657_661delGTCTT (NM_153704.6); c.414_418del, p.Met138fs (NM_001142301.1); short protein forms M138fs, M219fs.
Identifiers: ClinVar variation 4526602 (VCV004526602.1).